The following is an entry in ClinVar:

ClinVar aggregate classification (germline): Benign (1 of 4 stars; one submission).

Conditions:
Pyridoxine-dependent epilepsy (EPEO4). Also called: Pyridoxine-Dependent Epilepsy - ALDH7A1; PYRIDOXINE DEPENDENCY WITH SEIZURES; EPILEPSY, EARLY-ONSET, 4, VITAMIN B6-DEPENDENT; Pyridoxine-Dependent Seizures. Identifiers: Orphanet 3006, MedGen C1849508, MONDO:0009945, OMIM 266100. Disease mechanism: loss of function.

Allele frequency attached by ClinVar (database versions not stated): gnomAD 0.02408 and 0.02237; TOPMed 0.02605; 1000 Genomes Project 0.02496; 1000 Genomes Project 30x 0.02701.

Submission:

Illumina Laboratory Services, Illumina
Classification: Benign for Pyridoxine-dependent epilepsy. Last evaluated: 2018-01-13. Review status: criteria provided, single submitter. Criteria: ICSL Variant Classification Criteria 13 December 2019. Collection method: clinical testing. Allele origin: germline.
Comment: This variant was observed in the ICSL laboratory as part of a predisposition screen in an ostensibly healthy population. It had not been previously curated by ICSL or reported in the Human Gene Mutation Database (HGMD: prior to June 1st, 2018), and was therefore a candidate for classification through an automated scoring system. Utilizing variant allele frequency, disease prevalence and penetrance estimates, and inheritance mode, an automated score was calculated to assess if this variant is too frequent to cause the disease. Based on the score and internal cut-off values, a variant classified as benign is not then subjected to further curation. The score for this variant resulted in a classification of benign for this disease.

NM_001182.5(ALDH7A1):c.*2254T>A

Gene: ALDH7A1 (aldehyde dehydrogenase 7 family member A1; minus strand). Cytogenetic location: 5q23.2.
Variant type: single nucleotide variant.
Coding change: c.*2254T>A on transcript NM_001182.5 (MANE Select); 2254 bases downstream of the stop codon, T replaced by A.
Molecular consequence: 3 prime UTR variant.
Genome position (GRCh38, 1-based): chr5:126,542,711, A>T on the plus strand (T>A on the coding strand, the complement: ALDH7A1 is on the minus strand). VCF-style: chr5-126542711-A-T. GRCh37 (hg19) VCF-style: chr5-125878403-A-T.
Other names: c.*2254T>A (NM_001201377.2, NM_001202404.2).
Identifiers: ClinVar variation 350539 (VCV000350539.5), dbSNP rs76249070, ClinGen allele CA10622381.